The following is an entry in ClinVar:

GRCh38/hg38 9p24.3(chr9:204193-1288113)x3

Genes: DMRT1 (doublesex and mab-3 related transcription factor 1; plus strand), DMRT2 (doublesex and mab-3 related transcription factor 2; plus strand), DMRT3 (doublesex and mab-3 related transcription factor 3; plus strand), DOCK8 (dedicator of cytokinesis 8; plus strand), DOCK8-AS1 (DOCK8 antisense RNA 1; minus strand) and 24 more. Cytogenetic location: 9p24.3.
Variant type: copy number gain.
Change: copy number 3 (three copies instead of two) of chr9:204,193-1,288,113 (1.08 Mb, GRCh38 coordinates, 1-based), cytogenetic band 9p24.3.
Identifiers: ClinVar variation 57084 (VCV000057084.2).

ClinVar aggregate classification (germline): Uncertain significance (1 of 4 stars; one submission).

Submission:

ISCA site 4
Classification: Uncertain significance. Last evaluated: 2011-08-12. Review status: criteria provided, single submitter. Criteria: Kaminsky et al. (Genet Med. 2011). Collection method: clinical testing. Allele origin: unknown. Affected: yes. Observed: 1 variant allele.
Comment: Copy number variation identified through the course of routine clinical cytogenomic testing in postnatal populations. Clinical assertions have been curated as described in Kaminsky et al. 2011.